The following is an entry in ClinVar:

ClinVar aggregate classification (germline): Conflicting classifications of pathogenicity. Review status: criteria provided, conflicting classifications (1 of 4 stars). 4 submissions from 4 submitters: Uncertain significance (2); Likely benign (1). 1 of the submissions does not count toward it. Last evaluated 2025-02-04.

Conditions:
Fanconi anemia (FA). Also called: Fanconi's anemia. Identifiers: Orphanet 84, MedGen C0015625, MeSH D005199, MONDO:0019391.
Fanconi anemia complementation group A (FANCA). Also called: FANCA-Related Fanconi Anemia; Fanconi anemia, group A. Identifiers: Orphanet 84, MedGen C3469521, MONDO:0009215, OMIM 227650.

Allele frequency attached by ClinVar (database versions not stated): gnomAD exomes 0.00002; TOPMed 0.00002; ExAC 0.00003; gnomAD 0.00002; ESP Exome Variant Server 0.00008; 1000 Genomes Project 30x 0.00016; 1000 Genomes Project 0.00020.
gnomAD v4.1: 34 of 1,614,080 alleles (0.0021%); highest among the groups gnomAD compares: Admixed American, 0.01%; no homozygotes.

Submissions (4):

Labcorp Genetics (formerly Invitae), Labcorp
Classification: Uncertain significance for Fanconi anemia. Last evaluated: 2025-02-04. Review status: criteria provided, single submitter. Criteria: Invitae Variant Classification Sherloc (09022015). Collection method: clinical testing. Allele origin: germline.
Comment: This sequence change replaces alanine, which is neutral and non-polar, with valine, which is neutral and non-polar, at codon 444 of the FANCA protein (p.Ala444Val). This variant is present in population databases (rs144234991, gnomAD 0.003%). This variant has not been reported in the literature in individuals affected with FANCA-related conditions. ClinVar contains an entry for this variant (Variation ID: 651747). Invitae Evidence Modeling of protein sequence and biophysical properties (such as structural, functional, and spatial information, amino acid conservation, physicochemical variation, residue mobility, and thermodynamic stability) indicates that this missense variant is not expected to disrupt FANCA protein function with a negative predictive value of 95%. In summary, the available evidence is currently insufficient to determine the role of this variant in disease. Therefore, it has been classified as a Variant of Uncertain Significance.

Blueprint Genetics
Classification: Likely benign. Last evaluated: 2023-07-17. Review status: criteria provided, single submitter. Criteria: ACMG Guidelines, 2015. Collection method: clinical testing. Allele origin: germline.

Fulgent Genetics
Classification: Uncertain significance for Fanconi anemia complementation group A. Last evaluated: 2021-09-16. Review status: criteria provided, single submitter. Criteria: ACMG Guidelines, 2015. Collection method: clinical testing. Allele origin: unknown.

Natera, Inc.
Classification: Uncertain significance for Fanconi anemia. Last evaluated: 2020-07-20. Review status: no assertion criteria provided. Collection method: clinical testing. Allele origin: germline. Not counted in ClinVar's aggregate classification.

NM_000135.4(FANCA):c.1331C>T (p.Ala444Val)

Gene: FANCA (FA complementation group A; minus strand). Cytogenetic location: 16q24.3.
Variant type: single nucleotide variant.
Coding change: c.1331C>T on transcript NM_000135.4 (MANE Select); coding-DNA position 1331, C replaced by T.
Protein change: p.Ala444Val; replaces alanine 444 with valine.
Molecular consequence: missense variant.
Genome position (GRCh38, 1-based): chr16:89,791,431, G>A on the plus strand (C>T on the coding strand, the complement: FANCA is on the minus strand). VCF-style: chr16-89791431-G-A. GRCh37 (hg19) VCF-style: chr16-89857839-G-A.
Other names: c.1331C>T (LRG_495t1); c.1331C>T, p.Ala444Val (NM_001286167.3); short protein forms A444V.
Identifiers: ClinVar variation 651747 (VCV000651747.10), dbSNP rs144234991, ClinGen allele CA8252402.